The following is an entry in ClinVar:

ClinVar aggregate classification (germline): Uncertain significance (1 of 4 stars; one submission).

Conditions:
Spastic paraplegia. Identifiers: MedGen C0037772, HP:0001258.

Submission:

Labcorp Genetics (formerly Invitae), Labcorp
Classification: Uncertain significance for Spastic paraplegia. Last evaluated: 2021-12-23. Review status: criteria provided, single submitter. Criteria: Invitae Variant Classification Sherloc (09022015). Collection method: clinical testing. Allele origin: germline.
Comment: This sequence change replaces proline, which is neutral and non-polar, with serine, which is neutral and polar, at codon 37 of the ZFYVE26 protein (p.Pro37Ser). In summary, the available evidence is currently insufficient to determine the role of this variant in disease. Therefore, it has been classified as a Variant of Uncertain Significance. Algorithms developed to predict the effect of missense changes on protein structure and function are either unavailable or do not agree on the potential impact of this missense change (SIFT: "Tolerated"; PolyPhen-2: "Probably Damaging"; Align-GVGD: "Class C0"). This variant has not been reported in the literature in individuals affected with ZFYVE26-related conditions. This variant is not present in population databases (gnomAD no frequency).

NM_015346.4(ZFYVE26):c.109C>T (p.Pro37Ser)

Gene: ZFYVE26 (zinc finger FYVE-type containing 26; minus strand). Cytogenetic location: 14q24.1.
Variant type: single nucleotide variant.
Coding change: c.109C>T on transcript NM_015346.4 (MANE Select); coding-DNA position 109, C replaced by T.
Protein change: p.Pro37Ser; replaces proline 37 with serine.
Molecular consequence: missense variant.
Genome position (GRCh38, 1-based): chr14:67,815,855, G>A on the plus strand (C>T on the coding strand, the complement: ZFYVE26 is on the minus strand). VCF-style: chr14-67815855-G-A. GRCh37 (hg19) VCF-style: chr14-68282572-G-A.
Other names: short protein forms P37S.
Identifiers: ClinVar variation 1513731 (VCV001513731.6), dbSNP rs2140260881, ClinGen allele CA390164593.